The following is an entry in ClinVar:

ClinVar aggregate classification (germline): Uncertain significance (1 of 4 stars; one submission).

Conditions:
Mendelian susceptibility to mycobacterial diseases due to complete IL12B deficiency. Also called: IL12B DEFICIENCY; Immunodeficiency 29. Identifiers: Orphanet 319558, MedGen C4013948, MONDO:0013954, OMIM 614890.

Submission:

Labcorp Genetics (formerly Invitae), Labcorp
Classification: Uncertain significance for Mendelian susceptibility to mycobacterial diseases due to complete IL12B deficiency. Last evaluated: 2017-08-21. Review status: criteria provided, single submitter. Criteria: Invitae Variant Classification Sherloc (09022015). Collection method: clinical testing. Allele origin: germline.
Comment: In summary, the available evidence is currently insufficient to determine the role of this variant in disease. Therefore, it has been classified as a Variant of Uncertain Significance. Algorithms developed to predict the effect of missense changes on protein structure and function (SIFT, PolyPhen-2, Align-GVGD) all suggest that this variant is likely to be disruptive, but these predictions have not been confirmed by published functional studies and their clinical significance is uncertain. This variant has not been reported in the literature in individuals with IL12B-related disease. This variant is not present in population databases (ExAC no frequency). This sequence change replaces glutamic acid with aspartic acid at codon 204 of the IL12B protein (p.Glu204Asp). The glutamic acid residue is highly conserved and there is a small physicochemical difference between glutamic acid and aspartic acid.

NM_002187.3(IL12B):c.612G>C (p.Glu204Asp)

Gene: IL12B (interleukin 12B; minus strand). Cytogenetic location: 5q33.3.
Variant type: single nucleotide variant.
Coding change: c.612G>C on transcript NM_002187.3 (MANE Select); coding-DNA position 612, G replaced by C.
Protein change: p.Glu204Asp; replaces glutamic acid 204 with aspartic acid.
Molecular consequence: missense variant.
Genome position (GRCh38, 1-based): chr5:159,320,391, C>G on the plus strand (G>C on the coding strand, the complement: IL12B is on the minus strand). VCF-style: chr5-159320391-C-G. GRCh37 (hg19) VCF-style: chr5-158747399-C-G.
Other names: short protein forms E204D.
Identifiers: ClinVar variation 541809 (VCV000541809.8), dbSNP rs1554156466, ClinGen allele CA362032621.